The following is an entry in ClinVar:

NM_000204.5(CFI):c.1109T>C (p.Ile370Thr)

Gene: CFI (complement factor I; minus strand). Cytogenetic location: 4q25.
Variant type: single nucleotide variant.
Coding change: c.1109T>C on transcript NM_000204.5 (MANE Select); coding-DNA position 1109, T replaced by C.
Protein change: p.Ile370Thr; replaces isoleucine 370 with threonine.
Molecular consequence: missense variant. On other transcripts: non-coding transcript variant (3).
Genome position (GRCh38, 1-based): chr4:109,749,257, A>G on the plus strand (T>C on the coding strand, the complement: CFI is on the minus strand). VCF-style: chr4-109749257-A-G. GRCh37 (hg19) VCF-style: chr4-110670413-A-G.
Other names: c.1133T>C, p.Ile378Thr (NM_001318057.2, NM_001375278.1); c.1088T>C, p.Ile363Thr (NM_001331035.2, NM_001375280.1, NM_001375282.1); c.1109T>C, p.Ile370Thr (NM_001375279.1, NM_001375281.1); c.1052T>C, p.Ile351Thr (NM_001375283.1); c.500T>C, p.Ile167Thr (NM_001375284.1); short protein forms I378T, I363T, I370T, I167T, I351T.
Identifiers: ClinVar variation 3696629 (VCV003696629.4).

ClinVar aggregate classification (germline): Uncertain significance. Review status: criteria provided, multiple submitters, no conflicts (2 of 4 stars). 2 submissions from 2 submitters: Uncertain significance (2). Last evaluated 2026-09-17.

Conditions:
CFI-related disorder. Also called: CFI-related disorders; CFI-related condition. Identifiers: MedGen CN239325.

gnomAD v4.1: 1 of 1,614,202 alleles (0.000062%); highest among the groups gnomAD compares: Admixed American, 0.0017%; no homozygotes.

Submissions (2):

Genomenon, Inc
Classification: Uncertain significance for CFI-related disorder. Last evaluated: 2026-09-17. Review status: criteria provided, single submitter. Criteria: Genomenon Sequence Variant Interpretation Standards - Updated. Collection method: curation. Allele origin: germline. Affected: no.
Comment: CFI p.Ile370Thr (c.1109T>C) is a missense variant that changes the amino acid at codon 370 from Isoleucine to Threonine. This variant has been reported in the published literature (PMID:38852887). This variant is located in a mutational hotspot and/or important functional domain. It is absent or not present at a significant frequency in gnomAD. In silico models predict that this variant is possibly or probably damaging. In conclusion, we classify CFI p.Ile370Thr (c.1109T>C) as a variant of uncertain significance.

Labcorp Genetics (formerly Invitae), Labcorp
Classification: Uncertain significance. Last evaluated: 2024-01-25. Review status: criteria provided, single submitter. Criteria: Invitae Variant Classification Sherloc (09022015). Collection method: clinical testing. Allele origin: germline.
Comment: This sequence change replaces isoleucine, which is neutral and non-polar, with threonine, which is neutral and polar, at codon 370 of the CFI protein (p.Ile370Thr). This variant is present in population databases (no rsID available, gnomAD 0.003%). This variant has not been reported in the literature in individuals affected with CFI-related conditions. Advanced modeling of protein sequence and biophysical properties (such as structural, functional, and spatial information, amino acid conservation, physicochemical variation, residue mobility, and thermodynamic stability) performed at Invitae indicates that this missense variant is expected to disrupt CFI protein function with a positive predictive value of 80%. In summary, the available evidence is currently insufficient to determine the role of this variant in disease. Therefore, it has been classified as a Variant of Uncertain Significance.

Literature cited by the submitters: PubMed 38852887 (cited by Genomenon, Inc).